The following is an entry in ClinVar:

NM_005732.4(RAD50):c.2755T>A (p.Leu919Met)

Gene: RAD50 (RAD50 double strand break repair protein; plus strand). Cytogenetic location: 5q31.1.
Variant type: single nucleotide variant.
Coding change: c.2755T>A on transcript NM_005732.4 (MANE Select); coding-DNA position 2755, T replaced by A.
Protein change: p.Leu919Met; replaces leucine 919 with methionine.
Molecular consequence: missense variant.
Genome position (GRCh38, 1-based): chr5:132,608,651, T>A. VCF-style: chr5-132608651-T-A. GRCh37 (hg19) VCF-style: chr5-131944343-T-A.
Other names: short protein forms L919M.
Identifiers: ClinVar variation 821769 (VCV000821769.12), dbSNP rs369862952, ClinGen allele CA360958779.

ClinVar aggregate classification (germline): Uncertain significance. Review status: criteria provided, multiple submitters, no conflicts (2 of 4 stars). 2 submissions from 2 submitters: Uncertain significance (2). Last evaluated 2021-06-11.

Conditions:
Hereditary cancer-predisposing syndrome. Also called: Tumor predisposition; Hereditary Cancer Syndrome; Neoplastic Syndromes, Hereditary; Hereditary neoplastic syndrome. Identifiers: Orphanet 140162, MedGen C0027672, MeSH D009386, MONDO:0015356.

Submissions (2):

Labcorp Genetics (formerly Invitae), Labcorp
Classification: Uncertain significance for Hereditary cancer-predisposing syndrome. Last evaluated: 2021-06-11. Review status: criteria provided, single submitter. Criteria: Invitae Variant Classification Sherloc (09022015). Collection method: clinical testing. Allele origin: germline.
Comment: In summary, the available evidence is currently insufficient to determine the role of this variant in disease. Therefore, it has been classified as a Variant of Uncertain Significance. Algorithms developed to predict the effect of missense changes on protein structure and function are either unavailable or do not agree on the potential impact of this missense change (SIFT: "Tolerated"; PolyPhen-2: "Possibly Damaging"; Align-GVGD: "Class C0"). This variant has not been reported in the literature in individuals with RAD50-related conditions. ClinVar contains an entry for this variant (Variation ID: 821769). This variant is not present in population databases (ExAC no frequency). This sequence change replaces leucine with methionine at codon 919 of the RAD50 protein (p.Leu919Met). The leucine residue is moderately conserved and there is a small physicochemical difference between leucine and methionine.

Ambry Genetics
Classification: Uncertain significance for Hereditary cancer-predisposing syndrome. Last evaluated: 2018-04-05. Review status: criteria provided, single submitter. Criteria: Ambry Variant Classification Scheme 2023. Collection method: clinical testing. Allele origin: germline.
Comment: The p.L919M variant (also known as c.2755T>A), located in coding exon 17 of the RAD50 gene, results from a T to A substitution at nucleotide position 2755. The leucine at codon 919 is replaced by methionine, an amino acid with highly similar properties. This amino acid position is highly conserved in available vertebrate species. In addition, this alteration is predicted to be tolerated by in silico analysis. Since supporting evidence is limited at this time, the clinical significance of this alteration remains unclear.